The following is an entry in ClinVar:

ClinVar aggregate classification (germline): Likely benign. Review status: criteria provided, multiple submitters, no conflicts (2 of 4 stars). 3 submissions from 3 submitters: Likely benign (2). 1 of the submissions does not count toward it. Last evaluated 2024-12-26.

Conditions:
ADAMTS18-related disorder. Also called: ADAMTS18-related condition.

Allele frequency attached by ClinVar (database versions not stated): gnomAD 0.00001; TOPMed 0.00001.
gnomAD v4.1: 22 of 1,614,214 alleles (0.0014%); highest among the groups gnomAD compares: East Asian, 0.0067%; no homozygotes.

Submissions (3):

Labcorp Genetics (formerly Invitae), Labcorp
Classification: Likely benign. Last evaluated: 2024-12-26. Review status: criteria provided, single submitter. Criteria: Invitae Variant Classification Sherloc (09022015). Collection method: clinical testing. Allele origin: germline.

Blueprint Genetics
Classification: Likely benign. Last evaluated: 2024-05-08. Review status: criteria provided, single submitter. Criteria: ACMG Guidelines, 2015. Collection method: clinical testing. Allele origin: germline.

PreventionGenetics, part of Exact Sciences
Classification: Likely benign for ADAMTS18-related condition. Last evaluated: 2019-07-12. Review status: no assertion criteria provided. Collection method: clinical testing. Allele origin: germline. Not counted in ClinVar's aggregate classification.
Comment: This variant is classified as likely benign based on ACMG/AMP sequence variant interpretation guidelines (Richards et al. 2015 PMID: 25741868, with internal and published modifications).

NM_199355.4(ADAMTS18):c.2418C>T (p.Ile806=)

Gene: ADAMTS18 (ADAM metallopeptidase with thrombospondin type 1 motif 18; minus strand). Cytogenetic location: 16q23.1.
Variant type: single nucleotide variant.
Coding change: c.2418C>T on transcript NM_199355.4 (MANE Select); coding-DNA position 2418, C replaced by T.
Protein change: p.Ile806=; no amino-acid change (isoleucine 806 retained).
Molecular consequence: synonymous variant.
Genome position (GRCh38, 1-based): chr16:77,319,963, G>A on the plus strand (C>T on the coding strand, the complement: ADAMTS18 is on the minus strand). VCF-style: chr16-77319963-G-A. GRCh37 (hg19) VCF-style: chr16-77353860-G-A.
Other names: c.2418C>T (NM_199355.3); c.1902C>T, p.Ile634= (NM_001326358.2).
Identifiers: ClinVar variation 2958648 (VCV002958648.6), dbSNP rs769043362, ClinGen allele CA8180912.